The following is an entry in ClinVar:

ClinVar aggregate classification (germline): Uncertain significance. Review status: criteria provided, multiple submitters, no conflicts (2 of 4 stars). 4 submissions from 4 submitters: Uncertain significance (4). Last evaluated 2025-11-25.

Conditions:
Inborn genetic diseases. Identifiers: MedGen C0950123, MeSH D030342.
Myopathy, proximal, and ophthalmoplegia (CMYO6). Also called: MYOPATHY WITH CONGENITAL JOINT CONTRACTURES, OPHTHALMOPLEGIA, AND RIMMED VACUOLES; INCLUSION BODY MYOPATHY 3, AUTOSOMAL DOMINANT; CONGENITAL MYOPATHY 6 WITH OPHTHALMOPLEGIA. Identifiers: Orphanet 363677, Orphanet 79091, MedGen C1854106, MONDO:0011577, OMIM 605637.

Allele frequency attached by ClinVar (database versions not stated): ExAC 0.00005; gnomAD 0.00005 and 0.00006; gnomAD exomes 0.00006 and 0.00010; TOPMed 0.00009; ESP Exome Variant Server 0.00015.
gnomAD v4.1: 156 of 1,613,990 alleles (0.0097%); highest among the groups gnomAD compares: Non-Finnish European, 0.013%; no homozygotes.

Submissions (4):

Labcorp Genetics (formerly Invitae), Labcorp
Classification: Uncertain significance for Myopathy, proximal, and ophthalmoplegia. Last evaluated: 2025-11-25. Review status: criteria provided, single submitter. Criteria: Invitae Variant Classification Sherloc (09022015). Collection method: clinical testing. Allele origin: germline.
Comment: This sequence change replaces leucine, which is neutral and non-polar, with phenylalanine, which is neutral and non-polar, at codon 1237 of the MYH2 protein (p.Leu1237Phe). This variant is present in population databases (rs138265883, gnomAD 0.01%). This missense change has been observed in individual(s) with MYH2-related conditions (PMID: 34459418). ClinVar contains an entry for this variant (Variation ID: 321672). Invitae Evidence Modeling of protein sequence and biophysical properties (such as structural, functional, and spatial information, amino acid conservation, physicochemical variation, residue mobility, and thermodynamic stability) indicates that this missense variant is expected to disrupt MYH2 protein function with a positive predictive value of 80%. In summary, the available evidence is currently insufficient to determine the role of this variant in disease. Therefore, it has been classified as a Variant of Uncertain Significance.

Ambry Genetics
Classification: Uncertain significance for Inborn genetic diseases. Last evaluated: 2022-10-25. Review status: criteria provided, single submitter. Criteria: Ambry Variant Classification Scheme 2023. Collection method: clinical testing. Allele origin: germline.

Revvity Omics, Revvity
Classification: Uncertain significance for Myopathy, proximal, and ophthalmoplegia. Last evaluated: 2020-03-27. Review status: criteria provided, single submitter. Criteria: ACMG Guidelines, 2015. Collection method: clinical testing. Allele origin: germline.

GeneDx
Classification: Uncertain significance. Last evaluated: 2019-01-15. Review status: criteria provided, single submitter. Criteria: GeneDx Variant Classification (06012015). Collection method: clinical testing. Allele origin: germline. Affected: yes.
Comment: The L1237F variant in the MYH2 gene has not been reported previously as a pathogenic variant, nor as a benign variant, to our knowledge. The L1237F variant is observed in 6/66694 (0.009%) alleles from individuals of non-Finnish European background, in the ExAC dataset (Lek et al., 2016). The L1237F variant is a conservative amino acid substitution, which is not likely to impact secondary protein structure as these residues share similar properties. This substitution occurs at a position that is conserved across species. In silico analysis predicts this variant is probably damaging to the protein structure/function. We interpret L1237F as a variant of uncertain significance.

Literature cited by the submitters: PubMed 34459418 (cited by Labcorp Genetics (formerly Invitae), Labcorp).

NM_017534.6(MYH2):c.3709C>T (p.Leu1237Phe)

Genes: MYHAS (myosin heavy chain gene cluster antisense RNA; plus strand), MYH2 (myosin heavy chain 2; minus strand). Cytogenetic location: 17p13.1.
Variant type: single nucleotide variant.
Coding change: c.3709C>T on transcript NM_017534.6 (MANE Select); coding-DNA position 3709, C replaced by T.
Protein change: p.Leu1237Phe; replaces leucine 1237 with phenylalanine.
Molecular consequence: missense variant.
Genome position (GRCh38, 1-based): chr17:10,528,725, G>A on the plus strand (C>T on the coding strand, the complement: MYH2 is on the minus strand). VCF-style: chr17-10528725-G-A. GRCh37 (hg19) VCF-style: chr17-10432042-G-A.
Other names: c.3709C>T, p.Leu1237Phe (NM_001100112.2); short protein forms L1237F.
Identifiers: ClinVar variation 321672 (VCV000321672.14), dbSNP rs138265883, ClinGen allele CA8390837.
Genomic context (GRCh38, chr17:10,528,725, plus strand): 5'-AACAATTTCCCAGAATTTGTAGTACCTTGGCTTTGGAGACCGTTTCTACATTACTAGCAA[G>A]GTCATCAATCTCCATCTTCATCTCACTCTTCTCCTTCTCCAGCTTCTGCTTCACTCGCTG-3'
Protein context (NP_060004.3, residues 1227-1247): KSEMKMEIDD[Leu1237Phe]ASNVETVSKA